The following is an entry in ClinVar:

NM_032043.3(BRIP1):c.1706G>T (p.Gly569Val)

Gene: BRIP1 (BRCA1 interacting DNA helicase 1; minus strand). Cytogenetic location: 17q23.2.
Variant type: single nucleotide variant.
Coding change: c.1706G>T on transcript NM_032043.3 (MANE Select); coding-DNA position 1706, G replaced by T.
Protein change: p.Gly569Val; replaces glycine 569 with valine.
Molecular consequence: missense variant.
Genome position (GRCh38, 1-based): chr17:61,780,928, C>A on the plus strand (G>T on the coding strand, the complement: BRIP1 is on the minus strand). VCF-style: chr17-61780928-C-A. GRCh37 (hg19) VCF-style: chr17-59858289-C-A.
Other names: short protein forms G569V.
Identifiers: ClinVar variation 849173 (VCV000849173.17), dbSNP rs373228183, ClinGen allele CA400480419.
Genomic context (GRCh38, chr17:61,780,928, plus strand): 5'-AGCACATGAACTGCAGTTTTCTGTCGTGAACGTTTCTTATTTTTTGGTAGAACCAACAAC[C>A]CATTTTTGTCTGAAATATCAATCTGATTTGTCCAGGAGTAAGTCTGTTGAATCGCAATTT-3'
Protein context (NP_114432.2, residues 559-579): TNQIDISDKN[Gly569Val]LLVLPKNKKR

ClinVar aggregate classification (germline): Uncertain significance. Review status: criteria provided, multiple submitters, no conflicts (2 of 4 stars). 4 submissions from 4 submitters: Uncertain significance (4). Last evaluated 2026-08-31.

Conditions:
Familial cancer of breast. Also called: Hereditary breast cancer; hereditary breast carcinoma; BREAST CANCER, FAMILIAL. Identifiers: Orphanet 227535, MedGen C0346153, MONDO:0016419, OMIM 114480. Disease mechanism: loss of function.
Fanconi anemia complementation group J. Also called: BRIP1-Related Fanconi Anemia. Identifiers: Orphanet 84, MedGen C1836860, MONDO:0012187, OMIM 609054.
Hereditary cancer-predisposing syndrome. Also called: Tumor predisposition; Hereditary neoplastic syndrome; Neoplastic Syndromes, Hereditary; Hereditary Cancer Syndrome. Identifiers: Orphanet 140162, MedGen C0027672, MeSH D009386, MONDO:0015356.

Allele frequency attached by ClinVar (database versions not stated): gnomAD exomes below 0.00001.
gnomAD v4.1: 2 of 1,613,994 alleles (0.00012%); highest among the groups gnomAD compares: African/African-American, 0.0027%; no homozygotes.

Submissions (4):

Ambry Genetics
Classification: Uncertain significance for Hereditary cancer-predisposing syndrome. Last evaluated: 2026-08-31. Review status: criteria provided, single submitter. Criteria: Ambry Variant Classification Scheme 2023. Collection method: clinical testing. Allele origin: germline.

Labcorp Genetics (formerly Invitae), Labcorp
Classification: Uncertain significance for Familial cancer of breast; Fanconi anemia complementation group J. Last evaluated: 2024-01-20. Review status: criteria provided, single submitter. Criteria: Invitae Variant Classification Sherloc (09022015). Collection method: clinical testing. Allele origin: germline.
Comment: This sequence change replaces glycine, which is neutral and non-polar, with valine, which is neutral and non-polar, at codon 569 of the BRIP1 protein (p.Gly569Val). This variant is not present in population databases (gnomAD no frequency). This variant has not been reported in the literature in individuals affected with BRIP1-related conditions. ClinVar contains an entry for this variant (Variation ID: 849173). Advanced modeling of protein sequence and biophysical properties (such as structural, functional, and spatial information, amino acid conservation, physicochemical variation, residue mobility, and thermodynamic stability) performed at Invitae indicates that this missense variant is not expected to disrupt BRIP1 protein function with a negative predictive value of 80%. In summary, the available evidence is currently insufficient to determine the role of this variant in disease. Therefore, it has been classified as a Variant of Uncertain Significance.

Baylor Genetics
Classification: Uncertain significance for Familial cancer of breast. Last evaluated: 2023-05-03. Review status: criteria provided, single submitter. Criteria: ACMG Guidelines, 2015. Collection method: clinical testing. Allele origin: unknown.

GeneDx
Classification: Uncertain significance. Last evaluated: 2022-06-08. Review status: criteria provided, single submitter. Criteria: GeneDx Variant Classification Process June 2021. Collection method: clinical testing. Allele origin: germline. Affected: yes.
Comment: Not observed at significant frequency in large population cohorts (gnomAD); In silico analysis supports that this missense variant has a deleterious effect on protein structure/function; Has not been previously published as pathogenic or benign to our knowledge